The following is an entry in ClinVar:

NM_012200.4(B3GAT3):c.656G>A (p.Gly219Glu)

Gene: B3GAT3 (beta-1,3-glucuronyltransferase 3; minus strand). Cytogenetic location: 11q12.3.
Variant type: single nucleotide variant.
Coding change: c.656G>A on transcript NM_012200.4 (MANE Select); coding-DNA position 656, G replaced by A.
Protein change: p.Gly219Glu; replaces glycine 219 with glutamic acid.
Molecular consequence: missense variant. On other transcripts: non-coding transcript variant (1).
Genome position (GRCh38, 1-based): chr11:62,616,759, C>T on the plus strand (G>A on the coding strand, the complement: B3GAT3 is on the minus strand). VCF-style: chr11-62616759-C-T. GRCh37 (hg19) VCF-style: chr11-62384231-C-T.
Other names: c.635G>A, p.Gly212Glu (NM_001288721.2); c.656G>A, p.Gly219Glu (NM_001288722.2, NM_001288723.2); short protein forms G212E, G219E.
Identifiers: ClinVar variation 4072739 (VCV004072739.2).

ClinVar aggregate classification (germline): Uncertain significance (1 of 4 stars; one submission).

Submission:

GeneDx
Classification: Uncertain significance. Last evaluated: 2025-11-05. Review status: criteria provided, single submitter. Criteria: GeneDx Variant Classification Process June 2021. Collection method: clinical testing. Allele origin: germline.
Comment: Not observed at significant frequency in large population cohorts (gnomAD); In silico analysis supports that this missense variant has a deleterious effect on protein structure/function; Has not been previously published as pathogenic or benign to our knowledge